The following is an entry in ClinVar:

NM_003000.3(SDHB):c.586T>C (p.Cys196Arg)

Gene: SDHB (succinate dehydrogenase complex iron sulfur subunit B; minus strand). Cytogenetic location: 1p36.13.
Variant type: single nucleotide variant.
Coding change: c.586T>C on transcript NM_003000.3 (MANE Select); coding-DNA position 586, T replaced by C.
Protein change: p.Cys196Arg; replaces cysteine 196 with arginine.
Molecular consequence: missense variant.
Genome position (GRCh38, 1-based): chr1:17,024,029, A>G on the plus strand (T>C on the coding strand, the complement: SDHB is on the minus strand). VCF-style: chr1-17024029-A-G. GRCh37 (hg19) VCF-style: chr1-17350524-A-G.
Other names: short protein forms C196R.
Identifiers: ClinVar variation 1498117 (VCV001498117.8), dbSNP rs2101516484, ClinGen allele CA338271152.

ClinVar aggregate classification (germline): Likely pathogenic (1 of 4 stars; one submission).

Conditions:
Gastrointestinal stromal tumor. Also called: Gastrointestinal stroma tumor; Gastrointestinal stromal tumor, somatic. Identifiers: Orphanet 44890, MedGen C0238198, MeSH D046152, MONDO:0011719, OMIM 606764, HP:0100723.
Pheochromocytoma/paraganglioma syndrome 4. Also called: CAROTID BODY TUMORS AND MULTIPLE EXTRAADRENAL PHEOCHROMOCYTOMAS; SDHB-Related Hereditary Paraganglioma-Pheochromocytoma Syndrome; PARAGANGLIOMA, FAMILIAL MALIGNANT; PARAGANGLIOMAS, HEREDITARY EXTRAADRENAL; PHEOCHROMOCYTOMA, FAMILIAL EXTRAADRENAL; Paragangliomas 4. Identifiers: Orphanet 29072, MedGen C1861848, MONDO:0007273, OMIM 115310.
Pheochromocytoma. Also called: MAX-Related Hereditary Paraganglioma-Pheochromocytoma Syndrome. Identifiers: Orphanet 29072, MedGen C0031511, MONDO:0008233, OMIM 171300, HP:0002666.

Submission:

Labcorp Genetics (formerly Invitae), Labcorp
Classification: Likely pathogenic for Gastrointestinal stromal tumor; Pheochromocytoma/paraganglioma syndrome 4; Pheochromocytoma. Last evaluated: 2021-05-04. Review status: criteria provided, single submitter. Criteria: Invitae Variant Classification Sherloc (09022015). Collection method: clinical testing. Allele origin: germline.
Comment: In summary, the currently available evidence indicates that the variant is pathogenic, but additional data are needed to prove that conclusively. Therefore, this variant has been classified as Likely Pathogenic. This variant disrupts the p.Cys196 amino acid residue in SDHB. Other variant(s) that disrupt this residue have been determined to be pathogenic (PMID: 24781345, 21172883, 17652212, 19064958, 23666964, 25683602). This suggests that this residue is clinically significant, and that variants that disrupt this residue are likely to be disease-causing. Advanced modeling of protein sequence and biophysical properties (such as structural, functional, and spatial information, amino acid conservation, physicochemical variation, residue mobility, and thermodynamic stability) performed at Invitae indicates that this missense variant is expected to disrupt SDHB protein function. This variant has been observed in individual(s) with paraganglioma-pheochromocytoma syndromes (PMID: 26960314, Invitae). This variant is not present in population databases (ExAC no frequency). This sequence change replaces cysteine with arginine at codon 196 of the SDHB protein (p.Cys196Arg). The cysteine residue is highly conserved and there is a large physicochemical difference between cysteine and arginine.

Literature cited by the submitters: PubMed 24781345; PubMed 21172883; PubMed 17652212; PubMed 19064958; PubMed 23666964; PubMed 25683602; PubMed 26960314.